The following is an entry in ClinVar:

NC_000021.9:g.(?_45981831)_(46004033_?)dup

Gene: COL6A1 (collagen type VI alpha 1 chain; plus strand). Cytogenetic location: 21q22.3.
Variant type: Duplication.
Identifiers: ClinVar variation 831339 (VCV000831339.2).

ClinVar aggregate classification (germline): Uncertain significance (1 of 4 stars; one submission).

Conditions:
Bethlem myopathy 1A. Also called: MYOPATHY, BENIGN CONGENITAL, WITH CONTRACTURES; Bethlem Muscular Dystrophy; Bethlem myopathy 1. Identifiers: Orphanet 610, MedGen CN029274, MONDO:0024530, OMIM 158810.

Submission:

Labcorp Genetics (formerly Invitae), Labcorp
Classification: Uncertain significance for Bethlem myopathy 1A. Last evaluated: 2020-02-01. Review status: criteria provided, single submitter. Criteria: Invitae Variant Classification Sherloc (09022015). Collection method: clinical testing. Allele origin: germline.
Comment: This variant results in a copy number gain of the genomic region encompassing the full coding sequence of the COL6A1 gene. The boundaries of this event are unknown as they extend beyond the assayed region for this gene and therefore may encompass additional genes. As the precise location of this event is unknown, it may be in tandem or it may be located elsewhere in the genome. This variant has not been reported in the literature in individuals with COL6A1-related conditions. Experimental studies and prediction algorithms are not available or were not evaluated, and the functional significance of this variant is currently unknown. In summary, the available evidence is currently insufficient to determine the role of this variant in disease. Therefore, it has been classified as a Variant of Uncertain Significance.